The following is an entry in ClinVar:

NM_000387.6(SLC25A20):c.417+213G>C

Gene: SLC25A20 (solute carrier family 25 member 20; minus strand). Cytogenetic location: 3p21.31.
Variant type: single nucleotide variant.
Coding change: c.417+213G>C on transcript NM_000387.6 (MANE Select); 213 bases into the intron after coding-DNA position 417, G replaced by C.
Molecular consequence: intron variant.
Genome position (GRCh38, 1-based): chr3:48,879,145, C>G on the plus strand (G>C on the coding strand, the complement: SLC25A20 is on the minus strand). VCF-style: chr3-48879145-C-G. GRCh37 (hg19) VCF-style: chr3-48916578-C-G.
Identifiers: ClinVar variation 674000 (VCV000674000.1), dbSNP rs113681520, ClinGen allele CA73991920.
Genomic context (GRCh38, chr3:48,879,145, plus strand): 5'-GGTCTCAAACTCCTGACCTCAAGTGATCCATCCTCCTCGGCTCCCAAAGTGCTGGGATTA[C>G]AGGCGTAAACCACTGCACCTGGCCCCCAGGCTGGTCTTTAACTCATGGGCTCAGGCAATC-3'

ClinVar aggregate classification (germline): Benign (1 of 4 stars; one submission).

Allele frequency attached by ClinVar (database versions not stated): gnomAD 0.01961 and 0.02096; TOPMed 0.02186; 1000 Genomes Project 0.02336; 1000 Genomes Project 30x 0.02514.
gnomAD v4.1: 2,958 of 152,096 alleles (1.9%); highest among the groups gnomAD compares: African/African-American, 6.6%; 89 homozygotes.

Submission:

GeneDx
Classification: Benign. Last evaluated: 2018-06-16. Review status: criteria provided, single submitter. Criteria: GeneDx Variant Classification (06012015). Collection method: clinical testing. Allele origin: germline. Affected: yes.
Comment: This variant is considered likely benign or benign based on one or more of the following criteria: it is a conservative change, it occurs at a poorly conserved position in the protein, it is predicted to be benign by multiple in silico algorithms, and/or has population frequency not consistent with disease.